The following is an entry in ClinVar:

ClinVar aggregate classification (germline): Uncertain significance. Review status: criteria provided, multiple submitters, no conflicts (2 of 4 stars). 6 submissions from 6 submitters: Uncertain significance (6). Last evaluated 2025-01-05.

Conditions:
Classic or attenuated familial adenomatous polyposis. Identifiers: MedGen CN372698, MONDO:0021057.
Hereditary cancer-predisposing syndrome. Also called: Hereditary Cancer Syndrome; Hereditary neoplastic syndrome; Neoplastic Syndromes, Hereditary; Tumor predisposition. Identifiers: Orphanet 140162, MedGen C0027672, MeSH D009386, MONDO:0015356.
Familial adenomatous polyposis 1 (FAP1). Also called: FAMILIAL ADENOMATOUS POLYPOSIS 1, ATTENUATED; POLYPOSIS, ADENOMATOUS INTESTINAL. Identifiers: MedGen C2713442, MONDO:0021056, OMIM 175100. Disease mechanism: loss of function.

Allele frequency attached by ClinVar (database versions not stated): gnomAD exomes below 0.00001; ExAC 0.00001; gnomAD 0.00001; TOPMed 0.00001.
gnomAD v4.1: 6 of 1,614,082 alleles (0.00037%); no homozygotes.

Submissions (6):

Labcorp Genetics (formerly Invitae), Labcorp
Classification: Uncertain significance for Familial adenomatous polyposis 1. Last evaluated: 2025-01-05. Review status: criteria provided, single submitter. Criteria: Invitae Variant Classification Sherloc (09022015). Collection method: clinical testing. Allele origin: germline.
Comment: This sequence change replaces glutamine, which is neutral and polar, with arginine, which is basic and polar, at codon 1338 of the APC protein (p.Gln1338Arg). This variant is present in population databases (rs757693603, gnomAD 0.0009%). This variant has not been reported in the literature in individuals affected with APC-related conditions. ClinVar contains an entry for this variant (Variation ID: 216163). Invitae Evidence Modeling of protein sequence and biophysical properties (such as structural, functional, and spatial information, amino acid conservation, physicochemical variation, residue mobility, and thermodynamic stability) indicates that this missense variant is not expected to disrupt APC protein function with a negative predictive value of 95%. In summary, the available evidence is currently insufficient to determine the role of this variant in disease. Therefore, it has been classified as a Variant of Uncertain Significance.

Color Diagnostics, LLC DBA Color Health
Classification: Uncertain significance for Hereditary cancer-predisposing syndrome. Last evaluated: 2024-12-23. Review status: criteria provided, single submitter. Criteria: ACMG Guidelines, 2015. Collection method: clinical testing. Allele origin: germline.
Comment: This missense variant replaces glutamine with arginine at codon 1338 of the APC protein. Computational prediction suggests that this variant may not impact protein structure and function (internally defined REVEL score threshold <= 0.5, PMID: 27666373). To our knowledge, functional studies have not been reported for this variant. This variant has not been reported in individuals affected with APC-related disorders in the literature. This variant has been identified in 1/251012 chromosomes in the general population by the Genome Aggregation Database (gnomAD). The available evidence is insufficient to determine the role of this variant in disease conclusively. Therefore, this variant is classified as a Variant of Uncertain Significance.

Ambry Genetics
Classification: Uncertain significance for Hereditary cancer-predisposing syndrome. Last evaluated: 2024-03-05. Review status: criteria provided, single submitter. Criteria: Ambry Variant Classification Scheme 2023. Collection method: clinical testing. Allele origin: germline.
Comment: The p.Q1338R variant (also known as c.4013A>G), located in coding exon 15 of the APC gene, results from an A to G substitution at nucleotide position 4013. The glutamine at codon 1338 is replaced by arginine, an amino acid with highly similar properties. This amino acid position is well conserved in available vertebrate species. In addition, in silico predictors for this gene do not accurately predict pathogenicity. Since supporting evidence is limited at this time, the clinical significance of this alteration remains unclear.

Baylor Genetics
Classification: Uncertain significance for Familial adenomatous polyposis 1. Last evaluated: 2023-10-26. Review status: criteria provided, single submitter. Criteria: ACMG Guidelines, 2015. Collection method: clinical testing. Allele origin: unknown.

GeneDx
Classification: Uncertain significance. Last evaluated: 2023-03-08. Review status: criteria provided, single submitter. Criteria: GeneDx Variant Classification Process June 2021. Collection method: clinical testing. Allele origin: germline. Affected: yes.
Comment: Not observed at significant frequency in large population cohorts (gnomAD); In silico analysis supports that this missense variant does not alter protein structure/function; Has not been previously published as pathogenic or benign to our knowledge; This variant is associated with the following publications: (PMID: 18199528)

All of Us Research Program, National Institutes of Health
Classification: Uncertain significance for Classic or attenuated familial adenomatous polyposis. Last evaluated: 2023-02-10. Review status: criteria provided, single submitter. Criteria: ACMG Guidelines, 2015. Collection method: clinical testing. Allele origin: germline. Inheritance: Autosomal dominant inheritance. Observed: 2 variant alleles, 2 heterozygotes.
Comment: This study involves interpretation of variants in research participants for the purpose of population health screening. Participant phenotype was not available at the time of variant classification. Additional details can be found in publication PMID: 35346344, PMCID: PMC8962531

NM_000038.6(APC):c.4013A>G (p.Gln1338Arg)

Gene: APC (APC regulator of Wnt signaling pathway; plus strand). Cytogenetic location: 5q22.2.
Variant type: single nucleotide variant.
Coding change: c.4013A>G on transcript NM_000038.6 (MANE Select); coding-DNA position 4013, A replaced by G.
Protein change: p.Gln1338Arg; replaces glutamine 1338 with arginine.
Molecular consequence: missense variant.
Genome position (GRCh38, 1-based): chr5:112,839,607, A>G. VCF-style: chr5-112839607-A-G. GRCh37 (hg19) VCF-style: chr5-112175304-A-G.
Other names: c.4013A>G, p.Gln1338Arg (NM_001127510.3, NM_001354895.2); c.3959A>G, p.Gln1320Arg (NM_001127511.3); c.4067A>G, p.Gln1356Arg (NM_001354896.2); c.4043A>G, p.Gln1348Arg (NM_001354897.2); c.3938A>G, p.Gln1313Arg (NM_001354898.2); c.3929A>G, p.Gln1310Arg (NM_001354899.2); c.3890A>G, p.Gln1297Arg (NM_001354900.2); c.3836A>G, p.Gln1279Arg (NM_001354901.2); and 5 more; short protein forms Q1320R, Q1338R, Q1297R, Q1348R, Q1055R, Q1247R, Q1356R, Q1178R.
Identifiers: ClinVar variation 216163 (VCV000216163.21), dbSNP rs757693603, ClinGen allele CA037359.